The following is an entry in ClinVar:

NM_198586.3(NHLRC1):c.787A>C (p.Asn263His)

Gene: NHLRC1 (NHL repeat containing E3 ubiquitin protein ligase 1; minus strand). Cytogenetic location: 6p22.3.
Variant type: single nucleotide variant.
Coding change: c.787A>C on transcript NM_198586.3 (MANE Select); coding-DNA position 787, A replaced by C.
Protein change: p.Asn263His; replaces asparagine 263 with histidine.
Molecular consequence: missense variant.
Genome position (GRCh38, 1-based): chr6:18,121,820, T>G on the plus strand (A>C on the coding strand, the complement: NHLRC1 is on the minus strand). VCF-style: chr6-18121820-T-G. GRCh37 (hg19) VCF-style: chr6-18122051-T-G.
Other names: short protein forms N263H.
Identifiers: ClinVar variation 961821 (VCV000961821.10), dbSNP rs749287999, ClinGen allele CA3649931.
Genomic context (GRCh38, chr6:18,121,820, plus strand): 5'-GGGGGTGCTCCAGGACCGCAATGGCCCCGGTGAGCCAAGACACTGCCACCCCTCGGGGAT[T>G]GCACAGATGAGCTTGCAACCTTTCAGTTCTCCGAAGGACCCCTTCCGCGAAGTCGACGTC-3'
Protein context (NP_940988.2, residues 253-273): RTERLQAHLC[Asn263His]PRGVAVSWLT

ClinVar aggregate classification (germline): Uncertain significance (1 of 4 stars; one submission).

Conditions:
Lafora disease. Also called: Epilepsy progressive myoclonic 2; Progressive Myoclonus Epilepsy, Lafora Type. Identifiers: Orphanet 501, MedGen C0751783, MONDO:0009697.

Allele frequency attached by ClinVar (database versions not stated): gnomAD exomes 0.00001; ExAC 0.00002.
gnomAD v4.1: 5 of 1,614,066 alleles (0.00031%); highest among the groups gnomAD compares: South Asian, 0.0044%; no homozygotes.

Submission:

Labcorp Genetics (formerly Invitae), Labcorp
Classification: Uncertain significance for Lafora disease. Last evaluated: 2019-09-18. Review status: criteria provided, single submitter. Criteria: Invitae Variant Classification Sherloc (09022015). Collection method: clinical testing. Allele origin: germline.
Comment: In summary, the available evidence is currently insufficient to determine the role of this variant in disease. Therefore, it has been classified as a Variant of Uncertain Significance. Algorithms developed to predict the effect of missense changes on protein structure and function output the following: SIFT: "Tolerated"; PolyPhen-2: "Benign"; Align-GVGD: "Class C0". The histidine amino acid residue is found in multiple mammalian species, suggesting that this missense change does not adversely affect protein function. These predictions have not been confirmed by published functional studies and their clinical significance is uncertain. This variant has not been reported in the literature in individuals with NHLRC1-related conditions. This variant is present in population databases (rs749287999, ExAC 0.01%). This sequence change replaces asparagine with histidine at codon 263 of the NHLRC1 protein (p.Asn263His). The asparagine residue is moderately conserved and there is a small physicochemical difference between asparagine and histidine.